The following is an entry in ClinVar:

NM_001367624.2(ZNF469):c.7956T>C (p.Ser2652=)

Gene: ZNF469 (zinc finger protein 469; plus strand). Cytogenetic location: 16q24.2.
Variant type: single nucleotide variant.
Coding change: c.7956T>C on transcript NM_001367624.2 (MANE Select); coding-DNA position 7956, T replaced by C.
Protein change: p.Ser2652=; no amino-acid change (serine 2652 retained).
Molecular consequence: synonymous variant.
Genome position (GRCh38, 1-based): chr16:88,435,426, T>C. VCF-style: chr16-88435426-T-C. GRCh37 (hg19) VCF-style: chr16-88501834-T-C.
Other names: NM_001127464.1:c.7872T>C.
Identifiers: ClinVar variation 513301 (VCV000513301.5), dbSNP rs898700599, ClinGen allele CA286383283.

ClinVar aggregate classification (germline): Likely benign. Review status: criteria provided, multiple submitters, no conflicts (2 of 4 stars). 3 submissions from 3 submitters: Likely benign (3). Last evaluated 2025-02-04.

Conditions:
Cardiovascular phenotype. Identifiers: MedGen CN230736.

Allele frequency attached by ClinVar (database versions not stated): TOPMed 0.00001.

Submissions (3):

Ambry Genetics
Classification: Likely benign for Cardiovascular phenotype. Last evaluated: 2025-02-04. Review status: criteria provided, single submitter. Criteria: Ambry Variant Classification Scheme 2023. Collection method: clinical testing. Allele origin: germline.

Labcorp Genetics (formerly Invitae), Labcorp
Classification: Likely benign. Last evaluated: 2023-08-11. Review status: criteria provided, single submitter. Criteria: Invitae Variant Classification Sherloc (09022015). Collection method: clinical testing. Allele origin: germline.

GeneDx
Classification: Likely benign. Last evaluated: 2017-11-13. Review status: criteria provided, single submitter. Criteria: GeneDx Variant Classification (06012015). Collection method: clinical testing. Allele origin: germline. Affected: yes.
Comment: This variant is considered likely benign or benign based on one or more of the following criteria: it is a conservative change, it occurs at a poorly conserved position in the protein, it is predicted to be benign by multiple in silico algorithms, and/or has population frequency not consistent with disease.